The following is an entry in ClinVar:

NM_004456.5(EZH2):c.956C>T (p.Ala319Val)

Gene: EZH2 (enhancer of zeste 2 polycomb repressive complex 2 subunit; minus strand). Cytogenetic location: 7q36.1.
Variant type: single nucleotide variant.
Coding change: c.956C>T on transcript NM_004456.5 (MANE Select); coding-DNA position 956, C replaced by T.
Protein change: p.Ala319Val; replaces alanine 319 with valine.
Molecular consequence: missense variant.
Genome position (GRCh38, 1-based): chr7:148,819,639, G>A on the plus strand (C>T on the coding strand, the complement: EZH2 is on the minus strand). VCF-style: chr7-148819639-G-A. GRCh37 (hg19) VCF-style: chr7-148516731-G-A.
Other names: c.824C>T, p.Ala275Val (NM_152998.3); c.941C>T, p.Ala314Val (NM_001203247.2); c.914C>T, p.Ala305Val (NM_001203248.2, NM_001203249.2); c.956C>T (NM_004456.4); short protein forms A314V, A275V, A319V, A305V.
Identifiers: ClinVar variation 1520286 (VCV001520286.9), dbSNP rs1805459613, ClinGen allele CA369718298.

ClinVar aggregate classification (germline): Uncertain significance. Review status: criteria provided, multiple submitters, no conflicts (2 of 4 stars). 2 submissions from 2 submitters: Uncertain significance (2). Last evaluated 2025-02-03.

Conditions:
Weaver syndrome (WVS). Also called: Weaver Smith syndrome; Overgrowth syndrome with accelerated skeletal maturation, unusual facies, and camptodactyly. Identifiers: Orphanet 3447, MedGen C0265210, MONDO:0010193, OMIM 277590.

Allele frequency attached by ClinVar (database versions not stated): TOPMed below 0.00001.

Submissions (2):

GeneDx
Classification: Uncertain significance. Last evaluated: 2025-02-03. Review status: criteria provided, single submitter. Criteria: GeneDx Variant Classification Process June 2021. Collection method: clinical testing. Allele origin: germline. Affected: yes.
Comment: Has not been previously published as pathogenic or benign to our knowledge; Not observed at significant frequency in large population cohorts (gnomAD); In silico analysis indicates that this missense variant does not alter protein structure/function

Labcorp Genetics (formerly Invitae), Labcorp
Classification: Uncertain significance for Weaver syndrome. Last evaluated: 2021-07-17. Review status: criteria provided, single submitter. Criteria: Invitae Variant Classification Sherloc (09022015). Collection method: clinical testing. Allele origin: germline.
Comment: This variant has not been reported in the literature in individuals affected with EZH2-related conditions. In summary, the available evidence is currently insufficient to determine the role of this variant in disease. Therefore, it has been classified as a Variant of Uncertain Significance. Advanced modeling of protein sequence and biophysical properties (such as structural, functional, and spatial information, amino acid conservation, physicochemical variation, residue mobility, and thermodynamic stability) performed at Invitae indicates that this missense variant is not expected to disrupt EZH2 protein function. This variant is not present in population databases (ExAC no frequency). This sequence change replaces alanine with valine at codon 319 of the EZH2 protein (p.Ala319Val). The alanine residue is moderately conserved and there is a small physicochemical difference between alanine and valine.